The following is an entry in ClinVar:

NM_001166108.2(PALLD):c.1965-13017C>T

Gene: PALLD (palladin, cytoskeletal associated protein; plus strand). Cytogenetic location: 4q32.3.
Variant type: single nucleotide variant.
Coding change: c.1965-13017C>T on transcript NM_001166108.2 (MANE Select); 13017 bases into the intron before coding-DNA position 1965, C replaced by T.
Molecular consequence: intron variant. On other transcripts: missense variant (1).
Genome position (GRCh38, 1-based): chr4:168,877,905, C>T. VCF-style: chr4-168877905-C-T. GRCh37 (hg19) VCF-style: chr4-169799056-C-T.
Other names: c.14C>T (NM_001166110.1); c.14C>T, p.Ala5Val (NM_001166110.2); c.1965-13017C>T (NM_016081.4); c.819-13017C>T (NM_001166109.2); c.-157-13017C>T (NM_001367570.1, NM_001367568.1, NM_001367567.1 and 1 more transcripts); short protein forms A5V.
Identifiers: ClinVar variation 2060732 (VCV002060732.5), dbSNP rs1751992534, ClinGen allele CA358794651.

ClinVar aggregate classification (germline): Uncertain significance. Review status: criteria provided, multiple submitters, no conflicts (2 of 4 stars). 2 submissions from 2 submitters: Uncertain significance (2). Last evaluated 2025-06-01.

Conditions:
Pancreatic adenocarcinoma. Identifiers: MedGen C0281361, MONDO:0006047, HP:0006725.

Allele frequency attached by ClinVar (database versions not stated): gnomAD exomes below 0.00001.
gnomAD v4.1: 2 of 1,477,088 alleles (0.00014%); highest among the groups gnomAD compares: East Asian, 0.0059%; no homozygotes.

Submissions (2):

Ambry Genetics
Classification: Uncertain significance. Last evaluated: 2025-06-01. Review status: criteria provided, single submitter. Criteria: Ambry Variant Classification Scheme 2023. Collection method: clinical testing. Allele origin: germline.
Comment: The p.A5V variant (also known as c.14C>T), located in coding exon 1 of the PALLD gene, results from a C to T substitution at nucleotide position 14. The alanine at codon 5 is replaced by valine, an amino acid with similar properties. This amino acid position is conserved. In addition, this alteration is predicted to be tolerated by in silico analysis. Based on the available evidence, the clinical significance of this variant remains unclear.

Labcorp Genetics (formerly Invitae), Labcorp
Classification: Uncertain significance for Pancreatic adenocarcinoma. Last evaluated: 2022-03-27. Review status: criteria provided, single submitter. Criteria: Invitae Variant Classification Sherloc (09022015). Collection method: clinical testing. Allele origin: germline.
Comment: In summary, the available evidence is currently insufficient to determine the role of this variant in disease. Therefore, it has been classified as a Variant of Uncertain Significance. Algorithms developed to predict the effect of missense changes on protein structure and function are either unavailable or do not agree on the potential impact of this missense change (SIFT: "Deleterious"; PolyPhen-2: "Benign"; Align-GVGD: "Class C15"). This variant has not been reported in the literature in individuals affected with PALLD-related conditions. This variant is not present in population databases (gnomAD no frequency). This sequence change replaces alanine, which is neutral and non-polar, with valine, which is neutral and non-polar, at codon 5 of the PALLD protein (p.Ala5Val).